The following is an entry in ClinVar:

NM_016034.5(MRPS2):c.342C>A (p.Asp114Glu)

Genes: MRPS2 (mitochondrial ribosomal protein S2; plus strand), LOC101928525 (uncharacterized LOC101928525; minus strand). Cytogenetic location: 9q34.3.
Variant type: single nucleotide variant.
Coding change: c.342C>A on transcript NM_016034.5 (MANE Select); coding-DNA position 342, C replaced by A.
Protein change: p.Asp114Glu; replaces aspartic acid 114 with glutamic acid.
Molecular consequence: missense variant. On other transcripts: non-coding transcript variant (5).
Genome position (GRCh38, 1-based): chr9:135,503,584, C>A. VCF-style: chr9-135503584-C-A. GRCh37 (hg19) VCF-style: chr9-138395430-C-A.
Other names: c.342C>A, p.Asp114Glu (NM_001371401.1); c.342C>A (NM_016034.3); short protein forms D114E.
Identifiers: ClinVar variation 3900679 (VCV003900679.2).
Genomic context (GRCh38, chr9:135,503,584, plus strand): 5'-TGGTGGGGTCTCTGGCAGGTTTATGGAGCCGTACATCTTTGGGAGCCGCCTGGACCACGA[C>A]ATCATCGACCTGGAACAGACAGCCACGCACCTCCAGCTGGCCTTGAACTTCACCGCCCAC-3'
Protein context (NP_057118.1, residues 104-124): PYIFGSRLDH[Asp114Glu]IIDLEQTATH

ClinVar aggregate classification (germline): Conflicting classifications of pathogenicity. Review status: criteria provided, conflicting classifications (1 of 4 stars). 2 submissions from 2 submitters: Likely pathogenic (1); Uncertain significance (1). Last evaluated 2025-08-07.

Conditions:
Combined oxidative phosphorylation deficiency 36 (COXPD36). Identifiers: MedGen C4693722, MONDO:0054781, OMIM 617950.

Submissions (2):

Ambry Genetics
Classification: Uncertain significance. Last evaluated: 2025-08-07. Review status: criteria provided, single submitter. Criteria: Ambry Variant Classification Scheme 2023. Collection method: clinical testing. Allele origin: germline.

Medical Genetics Department, Hospital Materno Infantil de Brasilia Dr Antonio Lisboa
Classification: Likely pathogenic for Combined oxidative phosphorylation deficiency 36. Last evaluated: 2025-05-23. Review status: criteria provided, single submitter. Criteria: ACMG Guidelines, 2015. Collection method: clinical testing. Allele origin: germline. Inheritance: Autosomal recessive inheritance. Affected: yes. Observed: 1 homozygote.
Comment: This variant has not been reported to our knowledge. It is present on gnomAD 4.1.0 with a total allele count of 9 (AF: 0,005%) without homozygous occurrences (PM2_support). Another pathogenic variant (c.340G>A) has been described on the same codon (PMID: 29576219 - PM5). The proband's phenotype is compatible with that associated with MRPS2 (PP4). In summary, the variant meets sufficient criteria to be classified as probably pathogenic.

Literature cited by the submitters: PubMed 29576219 (cited by Medical Genetics Department, Hospital Materno Infantil de Brasilia Dr Antonio Lisboa).